The following is an entry in ClinVar:

ClinVar aggregate classification (germline): Uncertain significance. Review status: criteria provided, multiple submitters, no conflicts (2 of 4 stars). 2 submissions from 2 submitters: Uncertain significance (2). Last evaluated 2025-01-03.

Conditions:
Sulfite oxidase deficiency due to molybdenum cofactor deficiency type C. Also called: Molybdenum cofactor deficiency, complementation group C; Molybdenum cofactor deficiency C. Identifiers: Orphanet 308400, Orphanet 833, MedGen C1854990, MONDO:0014212, OMIM 615501.

Submissions (2):

GeneDx
Classification: Uncertain significance. Last evaluated: 2025-01-03. Review status: criteria provided, single submitter. Criteria: GeneDx Variant Classification Process June 2021. Collection method: clinical testing. Allele origin: germline. Affected: yes.
Comment: Not observed at significant frequency in large population cohorts (gnomAD); In silico analysis supports that this missense variant has a deleterious effect on protein structure/function; Has not been previously published as pathogenic or benign to our knowledge

Labcorp Genetics (formerly Invitae), Labcorp
Classification: Uncertain significance for Sulfite oxidase deficiency due to molybdenum cofactor deficiency type C. Last evaluated: 2023-04-07. Review status: criteria provided, single submitter. Criteria: Invitae Variant Classification Sherloc (09022015). Collection method: clinical testing. Allele origin: germline.
Comment: In summary, the available evidence is currently insufficient to determine the role of this variant in disease. Therefore, it has been classified as a Variant of Uncertain Significance. Advanced modeling of protein sequence and biophysical properties (such as structural, functional, and spatial information, amino acid conservation, physicochemical variation, residue mobility, and thermodynamic stability) performed at Invitae indicates that this missense variant is not expected to disrupt GPHN protein function. This sequence change replaces arginine, which is basic and polar, with tryptophan, which is neutral and slightly polar, at codon 708 of the GPHN protein (p.Arg708Trp). This variant is not present in population databases (gnomAD no frequency). This variant has not been reported in the literature in individuals affected with GPHN-related conditions. ClinVar contains an entry for this variant (Variation ID: 2155053).

NM_020806.5(GPHN):c.2122C>T (p.Arg708Trp)

Gene: GPHN (gephyrin; plus strand). Cytogenetic location: 14q23.3.
Variant type: single nucleotide variant.
Coding change: c.2122C>T on transcript NM_020806.5 (MANE Select); coding-DNA position 2122, C replaced by T.
Protein change: p.Arg708Trp; replaces arginine 708 with tryptophan.
Molecular consequence: missense variant.
Genome position (GRCh38, 1-based): chr14:67,179,620, C>T. VCF-style: chr14-67179620-C-T. GRCh37 (hg19) VCF-style: chr14-67646337-C-T.
Other names: c.2023C>T, p.Arg675Trp (NM_001024218.2); c.2182C>T, p.Arg728Trp (NM_001377514.1); c.2152C>T, p.Arg718Trp (NM_001377515.1); c.2143C>T, p.Arg715Trp (NM_001377516.1); c.2095C>T, p.Arg699Trp (NM_001377517.1); c.2080C>T, p.Arg694Trp (NM_001377518.1); c.2062C>T, p.Arg688Trp (NM_001377519.1); c.2122C>T (NM_020806.4); short protein forms R675W, R694W, R708W, R728W, R688W, R699W, R718W, R715W.
Identifiers: ClinVar variation 2155053 (VCV002155053.5), dbSNP rs2544478340, ClinGen allele CA390122344.